The following is an entry in ClinVar:

ClinVar aggregate classification (germline): Uncertain significance. Review status: criteria provided, multiple submitters, no conflicts (2 of 4 stars). 6 submissions from 6 submitters: Uncertain significance (6). Last evaluated 2026-09-08.

Conditions:
Fabry disease. Also called: Fabry's disease; Angiokeratoma corporis diffusum; CERAMIDE TRIHEXOSIDASE DEFICIENCY; GLA DEFICIENCY; HEREDITARY DYSTOPIC LIPIDOSIS; ALPHA-GALACTOSIDASE A DEFICIENCY. Identifiers: Orphanet 324, MedGen C0002986, MONDO:0010526, OMIM 301500, HP:0001071. Disease mechanism: loss of function, Fabry disease is due to inactivating mutations in the X-linked GLA gene resulting in deficiency of the enzyme Alpha Galactosidase-A..

Allele frequency attached by ClinVar (database versions not stated): gnomAD 0.00001.
gnomAD v4.1: 1 of 1,210,003 alleles (0.000083%); highest among the groups gnomAD compares: Admixed American, 0.0022%; no homozygotes.

Submissions (6):

Genomenon, Inc
Classification: Uncertain significance for Fabry disease. Last evaluated: 2026-09-08. Review status: criteria provided, single submitter. Criteria: Genomenon Sequence Variant Interpretation Standards - Updated. Collection method: curation. Allele origin: germline. Affected: no.
Comment: GLA p.Gly11Val (c.32G>T) is a missense variant that changes the amino acid at codon 11 from Glycine to Valine. This variant has been reported in the published literature (PMID:20629180;35947370). It is absent or not present at a significant frequency in gnomAD. In silico models predict that this variant is not damaging. In conclusion, we classify GLA p.Gly11Val (c.32G>T) as a variant of uncertain significance.

Mayo Clinic Laboratories, Mayo Clinic
Classification: Uncertain significance. Last evaluated: 2025-06-17. Review status: criteria provided, single submitter. Criteria: ACMG Guidelines, 2015. Collection method: clinical testing. Allele origin: germline. Observed: 1 variant allele.
Comment: BP4

Color Diagnostics, LLC DBA Color Health
Classification: Uncertain significance for Fabry disease. Last evaluated: 2024-03-06. Review status: criteria provided, single submitter. Criteria: ACMG Guidelines, 2015. Collection method: clinical testing. Allele origin: germline.
Comment: This missense variant replaces glycine with valine at codon 11 of the GLA protein. Computational prediction suggests that this variant may not impact protein structure and function (internally defined REVEL score threshold <= 0.5, PMID: 27666373). Splice site prediction tools suggest that this variant may not impact RNA splicing. To our knowledge, functional studies have not been performed for this variant. This variant has not been reported in individuals affected with cardiovascular disorders in the literature. This variant has not been identified in the general population by the Genome Aggregation Database (gnomAD). The available evidence is insufficient to determine the role of this variant in disease conclusively. Therefore, this variant is classified as a Variant of Uncertain Significance.

Labcorp Genetics (formerly Invitae), Labcorp
Classification: Uncertain significance for Fabry disease. Last evaluated: 2021-08-28. Review status: criteria provided, single submitter. Criteria: Invitae Variant Classification Sherloc (09022015). Collection method: clinical testing. Allele origin: germline.
Comment: This sequence change replaces glycine with valine at codon 11 of the GLA protein (p.Gly11Val). The glycine residue is weakly conserved and there is a moderate physicochemical difference between glycine and valine. This variant is not present in population databases (ExAC no frequency). This variant has not been reported in the literature in individuals affected with GLA-related conditions. Algorithms developed to predict the effect of missense changes on protein structure and function output the following: SIFT: "Tolerated"; PolyPhen-2: "Benign"; Align-GVGD: "Class C0". The valine amino acid residue is found in multiple mammalian species, which suggests that this missense change does not adversely affect protein function. Algorithms developed to predict the effect of sequence changes on RNA splicing suggest that this variant may create or strengthen a splice site. In summary, the available evidence is currently insufficient to determine the role of this variant in disease. Therefore, it has been classified as a Variant of Uncertain Significance.

Genome-Nilou Lab
Classification: Uncertain significance for Fabry disease. Last evaluated: 2021-07-15. Review status: criteria provided, single submitter. Criteria: ACMG Guidelines, 2015. Collection method: clinical testing. Allele origin: germline. Affected: no.

Fulgent Genetics
Classification: Uncertain significance for Fabry disease. Last evaluated: 2021-07-12. Review status: criteria provided, single submitter. Criteria: ACMG Guidelines, 2015. Collection method: clinical testing. Allele origin: unknown.

Literature cited by the submitters: PubMed 20629180 (cited by Genomenon, Inc); PubMed 35947370 (cited by Genomenon, Inc).

NM_000169.3(GLA):c.32G>T (p.Gly11Val)

Genes: RPL36A-HNRNPH2 (RPL36A-HNRNPH2 readthrough; plus strand), GLA (galactosidase alpha; minus strand). Cytogenetic location: Xq22.1.
Variant type: single nucleotide variant.
Coding change: c.32G>T on transcript NM_000169.3 (MANE Select); coding-DNA position 32, G replaced by T.
Protein change: p.Gly11Val; replaces glycine 11 with valine.
Molecular consequence: missense variant. On other transcripts: non-coding transcript variant (3), intron variant (2).
Genome position (GRCh38, 1-based): chrX:101,407,872, C>A on the plus strand (G>T on the coding strand, the complement: GLA is on the minus strand). VCF-style: chrX-101407872-C-A. GRCh37 (hg19) VCF-style: chrX-100662860-C-A.
Other names: p.Gly11Val; c.32G>T, p.Gly11Val (NM_001406747.1, NM_001406748.1, NM_001406749.1); c.301-4064C>A (NM_001199973.2); c.178-4064C>A (NM_001199974.2); short protein forms G11V.
Identifiers: ClinVar variation 923043 (VCV000923043.14), dbSNP rs782498765, ClinGen allele CA413937813.
Genomic context (GRCh38, chrX:101,407,872, plus strand): 5'-GCTCTAGCCCCAGGGATGTCCCAGGAAACGAGGGCCAGGAAGCGAAGCGCAAGCGCGCAG[C>A]CCAGATGTAGTTCTGGGTTCCTCAGCTGCATTGTCACGGTGACCGGACAGCATAAATTTC-3'
Protein context (NP_000160.1, residues 1-21): MQLRNPELHL[Gly11Val]CALALRFLAL